The following is an entry in ClinVar:

ClinVar aggregate classification (germline): Uncertain significance. Review status: criteria provided, multiple submitters, no conflicts (2 of 4 stars). 3 submissions from 3 submitters: Uncertain significance (3). Last evaluated 2025-05-25.

Conditions:
Hermansky-Pudlak syndrome 2 (HPS2). Also called: Platelet defects and oculocutaneous albinism. Identifiers: Orphanet 183678, Orphanet 79430, MedGen C1842362, MONDO:0011997, OMIM 608233.
Inborn genetic diseases. Identifiers: MedGen C0950123, MeSH D030342.

Allele frequency attached by ClinVar (database versions not stated): gnomAD exomes 0.00001; TOPMed 0.00001.
gnomAD v4.1: 4 of 1,600,308 alleles (0.00025%); highest among the groups gnomAD compares: Admixed American, 0.0067%; no homozygotes.

Submissions (3):

Ambry Genetics
Classification: Uncertain significance for Inborn genetic diseases. Last evaluated: 2025-05-25. Review status: criteria provided, single submitter. Criteria: Ambry Variant Classification Scheme 2023. Collection method: clinical testing. Allele origin: germline.

Labcorp Genetics (formerly Invitae), Labcorp
Classification: Uncertain significance for Hermansky-Pudlak syndrome 2. Last evaluated: 2022-07-15. Review status: criteria provided, single submitter. Criteria: Invitae Variant Classification Sherloc (09022015). Collection method: clinical testing. Allele origin: germline.
Comment: This sequence change replaces aspartic acid, which is acidic and polar, with asparagine, which is neutral and polar, at codon 46 of the AP3B1 protein (p.Asp46Asn). This variant is present in population databases (rs768641911, gnomAD 0.009%). This variant has not been reported in the literature in individuals affected with AP3B1-related conditions. ClinVar contains an entry for this variant (Variation ID: 1385260). Algorithms developed to predict the effect of missense changes on protein structure and function are either unavailable or do not agree on the potential impact of this missense change (SIFT: "Tolerated"; PolyPhen-2: "Possibly Damaging"; Align-GVGD: "Class C0"). In summary, the available evidence is currently insufficient to determine the role of this variant in disease. Therefore, it has been classified as a Variant of Uncertain Significance.

Blueprint Genetics
Classification: Uncertain significance. Last evaluated: 2020-02-10. Review status: criteria provided, single submitter. Criteria: ACMG Guidelines, 2015. Collection method: clinical testing. Allele origin: germline.

NM_003664.5(AP3B1):c.136G>A (p.Asp46Asn)

Gene: AP3B1 (adaptor related protein complex 3 subunit beta 1; minus strand). Cytogenetic location: 5q14.1.
Variant type: single nucleotide variant.
Coding change: c.136G>A on transcript NM_003664.5 (MANE Select); coding-DNA position 136, G replaced by A.
Protein change: p.Asp46Asn; replaces aspartic acid 46 with asparagine.
Molecular consequence: missense variant. On other transcripts: 5 prime UTR variant (1).
Genome position (GRCh38, 1-based): chr5:78,267,588, C>T on the plus strand (G>A on the coding strand, the complement: AP3B1 is on the minus strand). VCF-style: chr5-78267588-C-T. GRCh37 (hg19) VCF-style: chr5-77563412-C-T.
Other names: c.-12G>A (NM_001271769.2); c.136G>A (NM_003664.3); short protein forms D46N.
Identifiers: ClinVar variation 1385260 (VCV001385260.5), dbSNP rs768641911, ClinGen allele CA3317448.